The following is an entry in ClinVar:

ClinVar aggregate classification (germline): Likely benign (1 of 4 stars; one submission).

gnomAD v4.1: 126 of 1,613,194 alleles (0.0078%); highest among the groups gnomAD compares: Middle Eastern, 0.066%; no homozygotes.

Submission:

CeGaT Center for Human Genetics Tuebingen
Classification: Likely benign. Last evaluated: 2025-02-01. Review status: criteria provided, single submitter. Criteria: CeGaT Center For Human Genetics Tuebingen Variant Classification Criteria Version 2. Collection method: clinical testing. Allele origin: germline. Affected: yes. Observed: 1 variant allele.
Comment: PHACTR1: BP4, BP7

NM_030948.6(PHACTR1):c.408G>A (p.Thr136=)

Gene: PHACTR1 (phosphatase and actin regulator 1; plus strand). Cytogenetic location: 6p24.1.
Variant type: single nucleotide variant.
Coding change: c.408G>A on transcript NM_030948.6 (MANE Select); coding-DNA position 408, G replaced by A.
Protein change: p.Thr136=; no amino-acid change (threonine 136 retained).
Molecular consequence: synonymous variant.
Genome position (GRCh38, 1-based): chr6:13,053,522, G>A. VCF-style: chr6-13053522-G-A. GRCh37 (hg19) VCF-style: chr6-13053754-G-A.
Other names: c.408G>A, p.Thr136= (NM_001242648.4, NM_001322308.3, NM_001322309.3 and 3 more transcripts); c.132G>A, p.Thr44= (NM_001322311.2, NM_001322312.3, NM_001322313.2 and 1 more transcripts); c.411G>A, p.Thr137= (NM_001322314.4).
Identifiers: ClinVar variation 3771612 (VCV003771612.13).